The following is an entry in ClinVar:

ClinVar aggregate classification (germline): Uncertain significance. Review status: criteria provided, multiple submitters, no conflicts (2 of 4 stars). 2 submissions from 2 submitters: Uncertain significance (2). Last evaluated 2022-02-13.

Conditions:
Inborn genetic diseases. Identifiers: MedGen C0950123, MeSH D030342.
Congenital adrenal hyperplasia due to cytochrome P450 oxidoreductase deficiency. Also called: DISORDERED STEROIDOGENESIS DUE TO POR DEFICIENCY. Identifiers: Orphanet 95699, MedGen C1860042, MONDO:0013310, OMIM 613571.

Allele frequency attached by ClinVar (database versions not stated): gnomAD 0.00001; ExAC 0.00002; TOPMed 0.00002; gnomAD exomes 0.00003; ESP Exome Variant Server 0.00008.

Submissions (2):

Labcorp Genetics (formerly Invitae), Labcorp
Classification: Uncertain significance for Congenital adrenal hyperplasia due to cytochrome P450 oxidoreductase deficiency. Last evaluated: 2022-02-13. Review status: criteria provided, single submitter. Criteria: Invitae Variant Classification Sherloc (09022015). Collection method: clinical testing. Allele origin: germline.
Comment: This sequence change replaces alanine, which is neutral and non-polar, with valine, which is neutral and non-polar, at codon 258 of the POR protein (p.Ala258Val). This variant is not present in population databases (gnomAD no frequency). This variant has not been reported in the literature in individuals affected with POR-related conditions. Algorithms developed to predict the effect of missense changes on protein structure and function output the following: SIFT: "Tolerated"; PolyPhen-2: "Benign"; Align-GVGD: "Class C0". The valine amino acid residue is found in multiple mammalian species, which suggests that this missense change does not adversely affect protein function. In summary, the available evidence is currently insufficient to determine the role of this variant in disease. Therefore, it has been classified as a Variant of Uncertain Significance.

Ambry Genetics
Classification: Uncertain significance for Inborn genetic diseases. Last evaluated: 2021-11-24. Review status: criteria provided, single submitter. Criteria: Ambry Variant Classification Scheme 2023. Collection method: clinical testing. Allele origin: germline.

NM_001395413.1(POR):c.764C>T (p.Ala255Val)

Gene: POR (cytochrome p450 oxidoreductase; plus strand). Cytogenetic location: 7q11.23.
Variant type: single nucleotide variant.
Coding change: c.764C>T on transcript NM_001395413.1 (MANE Select); coding-DNA position 764, C replaced by T.
Protein change: p.Ala255Val; replaces alanine 255 with valine.
Molecular consequence: missense variant.
Genome position (GRCh38, 1-based): chr7:75,982,265, C>T. VCF-style: chr7-75982265-C-T. GRCh37 (hg19) VCF-style: chr7-75611583-C-T.
Other names: c.764C>T, p.Ala255Val (NM_001367562.3, NM_001382657.2, NM_001382658.3 and 2 more transcripts); c.818C>T, p.Ala273Val (NM_001382655.3); c.773C>T (NM_000941.2); short protein forms A255V, A273V.
Identifiers: ClinVar variation 1424406 (VCV001424406.6), dbSNP rs367782552, ClinGen allele CA4303825.